The following is an entry in ClinVar:

ClinVar aggregate classification (germline): Uncertain significance (1 of 4 stars; one submission).

Conditions:
Cernunnos-XLF deficiency (IMD124). Also called: SCID, AUTOSOMAL RECESSIVE, T CELL-NEGATIVE, B CELL-NEGATIVE, NK CELL-POSITIVE, WITH MICROCEPHALY, GROWTH RETARDATION, AND SENSITIVITY TO IONIZING RADIATION; NHEJ1 SYNDROME; Severe combined immunodeficiency with sensitivity to ionizing radiation due to NHEJ1 deficiency; SCID, autosomal recessive, T cell-negative, B cell-negative, NK cell-positive, and sensitivity to ionizing radiation due to NHEJ1 deficiency; IMMUNODEFICIENCY 124, SEVERE COMBINED. Identifiers: Orphanet 169079, MedGen C1969799, MONDO:0012650, OMIM 611291.

Submission:

Labcorp Genetics (formerly Invitae), Labcorp
Classification: Uncertain significance for Cernunnos-XLF deficiency. Last evaluated: 2021-07-31. Review status: criteria provided, single submitter. Criteria: Invitae Variant Classification Sherloc (09022015). Collection method: clinical testing. Allele origin: germline.
Comment: In summary, the available evidence is currently insufficient to determine the role of this variant in disease. Therefore, it has been classified as a Variant of Uncertain Significance. Algorithms developed to predict the effect of missense changes on protein structure and function (SIFT, PolyPhen-2, Align-GVGD) all suggest that this variant is likely to be tolerated. This variant has not been reported in the literature in individuals affected with NHEJ1-related conditions. This variant is not present in population databases (ExAC no frequency). This sequence change replaces glutamic acid with alanine at codon 273 of the NHEJ1 protein (p.Glu273Ala). The glutamic acid residue is moderately conserved and there is a moderate physicochemical difference between glutamic acid and alanine.

NM_024782.3(NHEJ1):c.818A>C (p.Glu273Ala)

Genes: NHEJ1 (non-homologous end joining factor 1; minus strand), LOC126806516 (BRD4-independent group 4 enhancer GRCh37_chr2:219941606-219942805; plus strand). Cytogenetic location: 2q35.
Variant type: single nucleotide variant.
Coding change: c.818A>C on transcript NM_024782.3 (MANE Select); coding-DNA position 818, A replaced by C.
Protein change: p.Glu273Ala; replaces glutamic acid 273 with alanine.
Molecular consequence: missense variant. On other transcripts: non-coding transcript variant (1).
Genome position (GRCh38, 1-based): chr2:219,077,253, T>G on the plus strand (A>C on the coding strand, the complement: NHEJ1 is on the minus strand). VCF-style: chr2-219077253-T-G. GRCh37 (hg19) VCF-style: chr2-219941975-T-G.
Other names: c.818A>C, p.Glu273Ala (NM_001377498.1); c.833A>C, p.Glu278Ala (NM_001377499.1); short protein forms E278A, E273A.
Identifiers: ClinVar variation 1449006 (VCV001449006.6), dbSNP rs2106319449, ClinGen allele CA350642171.